The following is an entry in ClinVar:

NM_024675.4(PALB2):c.1066A>G (p.Lys356Glu)

Gene: PALB2 (partner and localizer of BRCA2; minus strand). Cytogenetic location: 16p12.2.
Variant type: single nucleotide variant.
Coding change: c.1066A>G on transcript NM_024675.4 (MANE Select); coding-DNA position 1066, A replaced by G.
Protein change: p.Lys356Glu; replaces lysine 356 with glutamic acid.
Molecular consequence: missense variant.
Genome position (GRCh38, 1-based): chr16:23,635,480, T>C on the plus strand (A>G on the coding strand, the complement: PALB2 is on the minus strand). VCF-style: chr16-23635480-T-C. GRCh37 (hg19) VCF-style: chr16-23646801-T-C.
Other names: short protein forms K356E.
Identifiers: ClinVar variation 460875 (VCV000460875.30), dbSNP rs1202130508, ClinGen allele CA395134035.

ClinVar aggregate classification (germline): Conflicting classifications of pathogenicity. Review status: criteria provided, conflicting classifications (1 of 4 stars). 10 submissions from 10 submitters: Uncertain significance (8); Likely benign (2). Last evaluated 2026-04-17.

Conditions:
Familial cancer of breast. Also called: BREAST CANCER, FAMILIAL; Hereditary breast cancer; hereditary breast carcinoma. Identifiers: Orphanet 227535, MedGen C0346153, MONDO:0016419, OMIM 114480. Disease mechanism: loss of function.
Familial pancreatic carcinoma. Identifiers: Orphanet 1333, MedGen C2931038, MONDO:0015278, OMIM 260350.
Hereditary cancer-predisposing syndrome. Also called: Hereditary neoplastic syndrome; Neoplastic Syndromes, Hereditary; Hereditary Cancer Syndrome; Tumor predisposition. Identifiers: Orphanet 140162, MedGen C0027672, MeSH D009386, MONDO:0015356.

Allele frequency attached by ClinVar (database versions not stated): TOPMed below 0.00001; gnomAD 0.00001.
gnomAD v4.1: 2 of 1,614,038 alleles (0.00012%); no homozygotes.

Submissions (10):

Myriad Genetics, Inc.
Classification: Likely benign for Familial cancer of breast. Last evaluated: 2026-04-17. Review status: criteria provided, single submitter. Criteria: Myriad Autosomal Dominant, Autosomal Recessive and X-Linked Classification Criteria (2023). Collection method: clinical testing. Allele origin: unknown.
Comment: This variant is considered likely benign. This variant is strongly associated with less severe personal and family histories of cancer, typical for individuals without pathogenic variants in this gene [PMID: 25085752].

Labcorp Genetics (formerly Invitae), Labcorp
Classification: Uncertain significance for Familial cancer of breast. Last evaluated: 2025-11-04. Review status: criteria provided, single submitter. Criteria: Invitae Variant Classification Sherloc (09022015). Collection method: clinical testing. Allele origin: germline.
Comment: This sequence change replaces lysine, which is basic and polar, with glutamic acid, which is acidic and polar, at codon 356 of the PALB2 protein (p.Lys356Glu). This variant is present in population databases (no rsID available, gnomAD no frequency). This variant has not been reported in the literature in individuals affected with PALB2-related conditions. ClinVar contains an entry for this variant (Variation ID: 460875). Invitae Evidence Modeling of protein sequence and biophysical properties (such as structural, functional, and spatial information, amino acid conservation, physicochemical variation, residue mobility, and thermodynamic stability) indicates that this missense variant is not expected to disrupt PALB2 protein function with a negative predictive value of 80%. In summary, the available evidence is currently insufficient to determine the role of this variant in disease. Therefore, it has been classified as a Variant of Uncertain Significance.

Ambry Genetics
Classification: Likely benign for Hereditary cancer-predisposing syndrome. Last evaluated: 2025-05-31. Review status: criteria provided, single submitter. Criteria: Ambry Variant Classification Scheme 2023. Collection method: clinical testing. Allele origin: germline.

Color Diagnostics, LLC DBA Color Health
Classification: Uncertain significance for Hereditary cancer-predisposing syndrome. Last evaluated: 2025-03-25. Review status: criteria provided, single submitter. Criteria: ACMG Guidelines, 2015. Collection method: clinical testing. Allele origin: germline.
Comment: This missense variant replaces lysine with glutamic acid at codon 356 of the PALB2 protein. Computational prediction suggests that this variant may not impact protein structure and function. To our knowledge, functional studies have not been reported for this variant. This variant has not been reported in individuals affected with PALB2-related disorders in the literature. This variant has been identified in 1/31408 chromosomes in the general population by the Genome Aggregation Database (gnomAD). The available evidence is insufficient to determine the role of this variant in disease conclusively. Therefore, this variant is classified as a Variant of Uncertain Significance.

Department of Pathology and Laboratory Medicine, Sinai Health System
Classification: Uncertain significance for Familial pancreatic carcinoma. Last evaluated: 2024-10-15. Review status: criteria provided, single submitter. Criteria: ACMG Guidelines, 2015. Collection method: clinical testing. Allele origin: germline. Affected: yes.

ARUP Laboratories, Molecular Genetics and Genomics, ARUP Laboratories
Classification: Uncertain significance. Last evaluated: 2024-02-23. Review status: criteria provided, single submitter. Criteria: ARUP Molecular Germline Variant Investigation Process 2024. Collection method: clinical testing. Allele origin: germline.
Comment: The PALB2 c.1066A>G; p.Lys356Glu variant (rs1202130508), to our knowledge, is not reported in the medical literature but is reported in ClinVar (Variation ID: 460875). This variant is only observed on one allele in the Genome Aggregation Database (v2.1.1), indicating it is not a common polymorphism. Computational analyses predict that this variant is neutral (REVEL: 0.02). Due to limited information, the clinical significance of this variant is uncertain at this time.

Quest Diagnostics Nichols Institute San Juan Capistrano
Classification: Uncertain significance. Last evaluated: 2022-11-18. Review status: criteria provided, single submitter. Criteria: Quest Diagnostics criteria. Collection method: clinical testing. Allele origin: unknown.
Comment: The variant has not been reported in the published literature. The frequency of this variant in the general population, 0.000032 (1/31408 chromosomes), is uninformative in assessment of its pathogenicity. Analysis of this variant using bioinformatics tools for the prediction of the effect of amino acid changes on protein structure and function yielded predictions that this variant is benign. Based on the available information, we are unable to determine the clinical significance of this variant.

Sema4
Classification: Uncertain significance for Hereditary cancer-predisposing syndrome. Last evaluated: 2021-11-23. Review status: criteria provided, single submitter. Criteria: Sema4 Curation Guidelines. Collection method: curation. Allele origin: germline.
Comment: The PALB2 c.1066A>G (p.K356E) variant has not been reported in the literature to our knowledge. This variant is reported in 1/31408 chromosomes in the world wide population according to the Genome Aggregation Database (PMID: 32461654). This variant has been reported in ClinVar (Variation ID 460875). In silico tools suggest the impact of the variant on protein function is benign, though these predictions have not been confirmed by functional studies. The overall evidence is insufficient to meet ACMG/AMP criteria for classifying it as benign or pathogenic. In summary, the clinical significance of this variant is currently uncertain.

GeneDx
Classification: Uncertain significance. Last evaluated: 2021-10-25. Review status: criteria provided, single submitter. Criteria: GeneDx Variant Classification Process June 2021. Collection method: clinical testing. Allele origin: germline. Affected: yes.
Comment: Not observed at a significant frequency in large population cohorts (Lek et al., 2016); In silico analysis, which includes protein predictors and evolutionary conservation, supports that this variant does not alter protein structure/function; Has not been previously published as pathogenic or benign to our knowledge

Women's Health and Genetics/Laboratory Corporation of America, LabCorp
Classification: Uncertain significance. Last evaluated: 2020-01-14. Review status: criteria provided, single submitter. Criteria: LabCorp Variant Classification Summary - May 2015. Collection method: clinical testing. Allele origin: germline.
Comment: Variant summary: PALB2 c.1066A>G (p.Lys356Glu) results in a conservative amino acid change in the encoded protein sequence. Five of five in-silico tools predict a benign effect of the variant on protein function. The variant was absent in 251270 control chromosomes. The available data on variant occurrences in the general population are insufficient to allow any conclusion about variant significance. To our knowledge, no occurrence of c.1066A>G in individuals affected with Breast Cancer and no experimental evidence demonstrating its impact on protein function have been reported. Three clinical diagnostic laboratories have submitted clinical-significance assessments for this variant to ClinVar after 2014 without evidence for independent evaluation. All laboratories classified the variant as uncertain significance. Based on the evidence outlined above, the variant was classified as uncertain significance.

Literature cited by the submitters: PubMed 25085752 (cited by Myriad Genetics, Inc.).